The following is an entry in ClinVar:

ClinVar aggregate classification (germline): Uncertain significance (1 of 4 stars; one submission).

Submission:

Labcorp Genetics (formerly Invitae), Labcorp
Classification: Uncertain significance. Last evaluated: 2025-10-02. Review status: criteria provided, single submitter. Criteria: Invitae Variant Classification Sherloc (09022015). Collection method: clinical testing. Allele origin: germline.
Comment: This sequence change replaces serine, which is neutral and polar, with asparagine, which is neutral and polar, at codon 1547 of the NALCN protein (p.Ser1547Asn). This variant is not present in population databases (gnomAD no frequency). This variant has not been reported in the literature in individuals affected with NALCN-related conditions. ClinVar contains an entry for this variant (Variation ID: 2706201). Invitae Evidence Modeling of protein sequence and biophysical properties (such as structural, functional, and spatial information, amino acid conservation, physicochemical variation, residue mobility, and thermodynamic stability) indicates that this missense variant is not expected to disrupt NALCN protein function with a negative predictive value of 80%. In summary, the available evidence is currently insufficient to determine the role of this variant in disease. Therefore, it has been classified as a Variant of Uncertain Significance.

NM_052867.4(NALCN):c.4640G>A (p.Ser1547Asn)

Gene: NALCN (sodium leak channel, non-selective; minus strand). Cytogenetic location: 13q32.3.
Variant type: single nucleotide variant.
Coding change: c.4640G>A on transcript NM_052867.4 (MANE Select); coding-DNA position 4640, G replaced by A.
Protein change: p.Ser1547Asn; replaces serine 1547 with asparagine.
Molecular consequence: missense variant.
Genome position (GRCh38, 1-based): chr13:101,062,083, C>T on the plus strand (G>A on the coding strand, the complement: NALCN is on the minus strand). VCF-style: chr13-101062083-C-T. GRCh37 (hg19) VCF-style: chr13-101714435-C-T.
Other names: c.4727G>A, p.Ser1576Asn (NM_001350748.2); c.4640G>A, p.Ser1547Asn (NM_001350749.2); c.4553G>A, p.Ser1518Asn (NM_001350750.2, NM_001350751.2); short protein forms S1576N, S1518N, S1547N.
Identifiers: ClinVar variation 2706201 (VCV002706201.3), dbSNP rs2501797360, ClinGen allele CA388644613.